The following is an entry in ClinVar:

ClinVar aggregate classification (germline): Benign/Likely benign. Review status: criteria provided, multiple submitters, no conflicts (2 of 4 stars). 23 submissions from 23 submitters: Benign (16); Likely benign (2). 5 of the submissions do not count toward it. Last evaluated 2026-09-01.

Conditions:
Familial isolated arrhythmogenic right ventricular dysplasia. Identifiers: Orphanet 217656, MedGen C4274968, MONDO:0016342.
Cardiovascular phenotype. Identifiers: MedGen CN230736.
Arrhythmogenic right ventricular cardiomyopathy (ARVD). Also called: Arrhythmogenic Right Ventricular Cardiomyopathy (ARVC); Cardiomyopathy, ARVC; Arrhythmogenic right ventricular dysplasia; Arrhythmogenic cardiomyopathy. Identifiers: Orphanet 247, MedGen C0349788, MeSH D019571, MONDO:0016587. Disease mechanism: loss of function. Inheritance: Various modes of inheritance.
Cardiomyopathy (CMYO). Also called: Cardiomyopathies. Identifiers: Orphanet 167848, MedGen C0878544, MONDO:0004994, HP:0001638. Inheritance: Various modes of inheritance.
Arrhythmogenic right ventricular dysplasia 11. Also called: Arrhythmogenic right ventricular dysplasia 11 with mild palmoplantar keratoderma and woolly hair; Arrhythmogenic Right Ventricular Dysplasia/Cardiomyopathy11; ARRHYTHMOGENIC RIGHT VENTRICULAR DYSPLASIA, FAMILIAL, 11. Identifiers: MedGen C1864850, MONDO:0012506, OMIM 610476.

Submissions (23):

CeGaT Center for Human Genetics Tuebingen
Classification: Benign. Last evaluated: 2026-09-01. Review status: criteria provided, single submitter. Criteria: CeGaT Center For Human Genetics Tuebingen Variant Classification Criteria Version 2. Collection method: clinical testing. Allele origin: germline. Affected: yes. Observed: 49 variant alleles.
Comment: DSC2: BS1, BS2

Labcorp Genetics (formerly Invitae), Labcorp
Classification: Benign for Arrhythmogenic right ventricular dysplasia 11. Last evaluated: 2026-02-03. Review status: criteria provided, single submitter. Criteria: Invitae Variant Classification Sherloc (09022015). Collection method: clinical testing. Allele origin: germline.

Molecular Diagnostic Laboratory for Inherited Cardiovascular Disease, Montreal Heart Institute
Classification: Benign. Last evaluated: 2025-07-24. Review status: criteria provided, single submitter. Criteria: ACMG Guidelines, 2015. Collection method: clinical testing. Allele origin: germline. Affected: no.

ARUP Laboratories, Molecular Genetics and Genomics, ARUP Laboratories
Classification: Benign. Last evaluated: 2025-07-22. Review status: criteria provided, single submitter. Criteria: ARUP Molecular Germline Variant Investigation Process 2024. Collection method: clinical testing. Allele origin: germline.

Blueprint Genetics
Classification: Benign. Last evaluated: 2024-11-27. Review status: criteria provided, single submitter. Criteria: ACMG Guidelines, 2015. Collection method: clinical testing. Allele origin: germline.

Mayo Clinic Laboratories, Mayo Clinic
Classification: Benign. Last evaluated: 2024-10-28. Review status: criteria provided, single submitter. Criteria: ACMG Guidelines, 2015. Collection method: clinical testing. Allele origin: germline. Observed: 37 variant alleles.
Comment: BS1, BS2

Molecular Genetics, Royal Melbourne Hospital
Classification: Benign for Familial isolated arrhythmogenic right ventricular dysplasia. Last evaluated: 2023-07-07. Review status: criteria provided, single submitter. Criteria: ACMG Guidelines, 2015. Collection method: clinical testing. Allele origin: germline. Inheritance: Autosomal dominant inheritance.

Fulgent Genetics
Classification: Likely benign for Arrhythmogenic right ventricular dysplasia 11. Last evaluated: 2021-08-31. Review status: criteria provided, single submitter. Criteria: ACMG Guidelines, 2015. Collection method: clinical testing. Allele origin: unknown.

Color Diagnostics, LLC DBA Color Health
Classification: Benign for Cardiomyopathy. Last evaluated: 2018-03-09. Review status: criteria provided, single submitter. Criteria: ACMG Guidelines, 2015. Collection method: clinical testing. Allele origin: germline.

CHEO Genetics Diagnostic Laboratory, Children's Hospital of Eastern Ontario
Classification: Benign for Cardiomyopathy. Last evaluated: 2017-05-24. Review status: criteria provided, single submitter. Criteria: ACMG Guidelines, 2015. Collection method: clinical testing. Allele origin: germline. Study: Canadian Open Genetics Repository.

Genome Diagnostics Laboratory, University Medical Center Utrecht
Classification: Benign for Arrhythmogenic right ventricular dysplasia 11. Last evaluated: 2015-12-09. Review status: criteria provided, single submitter. Criteria: ACGS Guidelines, 2013. Collection method: clinical testing. Allele origin: germline. Affected: yes. Study: VKGL Data-share Consensus.

Clinical Genetics DNA and cytogenetics Diagnostics Lab, Erasmus MC, Erasmus Medical Center
Classification: Benign for Arrhythmogenic right ventricular dysplasia 11. Last evaluated: 2015-09-21. Review status: criteria provided, single submitter. Criteria: ACGS Guidelines, 2013. Collection method: clinical testing. Allele origin: germline. Affected: yes. Study: VKGL Data-share Consensus.

Genomic Diagnostic Laboratory, Division of Genomic Diagnostics, Children's Hospital of Philadelphia
Classification: Benign for Arrhythmogenic right ventricular cardiomyopathy. Last evaluated: 2015-07-01. Review status: criteria provided, single submitter. Criteria: DGD Variant Analysis Guidelines. Collection method: clinical testing. Allele origin: unknown.

GeneDx
Classification: Benign. Last evaluated: 2015-03-03. Review status: criteria provided, single submitter. Criteria: GeneDx Variant Classification Process June 2021. Collection method: clinical testing. Allele origin: germline. Affected: yes.

Biesecker Lab/Clinical Genomics Section, National Institutes of Health
Classification: Benign. Last evaluated: 2013-06-24. Review status: criteria provided, single submitter. Criteria: Ng et al. (Circ Cardiovasc Genet. 2013). Collection method: research. Allele origin: unknown. Observed: 23 variant alleles. Study: ClinSeq.
Comment: The study set was not selected for affection status in relation to any cancer. Pathogenicity categories were based on literature curation. See Pubmed ID:23861362 for details.

Medical sequencing

Ambry Genetics
Classification: Benign for Cardiovascular phenotype. Last evaluated: 2013-03-15. Review status: criteria provided, single submitter. Criteria: Ambry Autosomal Dominant and X-Linked criteria (10/2015). Collection method: clinical testing. Allele origin: germline. Observed: 1 variant allele.
Comment: No disease association in appropriately sized case-control study(ies)

Laboratory for Molecular Medicine, Mass General Brigham Personalized Medicine
Classification: Benign. Last evaluated: 2013-01-14. Review status: criteria provided, single submitter. Criteria: LMM Criteria. Collection method: clinical testing. Allele origin: germline. Observed: 43 variant alleles.
Comment: Ala897fs in exon 16 of DSC2: This variant is not expected to have clinical signi ficance because it has been identified in 1.3% (111/8254) of European American c hromosomes from a broad population by the NHLBI Exome Sequencing Project. This variant leads to a frameshift starting at pos ition 897 and a subsequent truncation that removes the terminal amino acid of th e DSC2 protein. Although it was initially reported in 3 Caucasian individuals wi th ARVC probands while absent from 400 ethnically matched control alleles, it ha s subsequently been detected in several control cohorts at frequencies that argu e against a disease causing role (0.8%-1.5%). The overall frequency of this variant strongly argues against a primary disease-caus ing role, although we cannot rule out that it may modify disease severity when p resent with other disease-causing variants.

PreventionGenetics, part of Exact Sciences
Classification: Likely benign. Review status: criteria provided, single submitter. Criteria: ACMG Guidelines, 2015. Collection method: clinical testing. Allele origin: germline.

Eurofins Ntd Llc (ga)
Classification: Benign for AllHighlyPenetrant. Last evaluated: 2013-05-31. Review status: no assertion criteria provided. Collection method: clinical testing. Allele origin: germline. Observed: 1 variant allele, 1 heterozygote. Not counted in ClinVar's aggregate classification.

OMIM
Classification: Uncertain significance for RECLASSIFIED - VARIANT OF UNKNOWN SIGNIFICANCE. Last evaluated: 2010-07-01. Review status: no assertion criteria provided. Collection method: literature only. Allele origin: germline. Not counted in ClinVar's aggregate classification.

Clinical Genetics, Academic Medical Center
Classification: Benign. Review status: no assertion criteria provided. Collection method: clinical testing. Allele origin: germline. Affected: yes. Study: VKGL Data-share Consensus. Not counted in ClinVar's aggregate classification.

Diagnostic Laboratory, Department of Genetics, University Medical Center Groningen
Classification: Benign for Arrhythmogenic right ventricular dysplasia 11. Review status: no assertion criteria provided. Collection method: clinical testing. Allele origin: germline. Affected: yes. Study: VKGL Data-share Consensus. Not counted in ClinVar's aggregate classification.

Joint Genome Diagnostic Labs from Nijmegen and Maastricht, Radboudumc and MUMC+
Classification: Benign. Review status: no assertion criteria provided. Collection method: clinical testing. Allele origin: germline. Affected: yes. Study: VKGL Data-share Consensus. Not counted in ClinVar's aggregate classification.

Literature cited by the submitters: PubMed 17033975 (cited by Laboratory for Molecular Medicine, Mass General Brigham Personalized Medicine and OMIM); PubMed 7971964 (cited by Laboratory for Molecular Medicine, Mass General Brigham Personalized Medicine); PubMed 20031617 (cited by Laboratory for Molecular Medicine, Mass General Brigham Personalized Medicine); PubMed 20197793 (cited by Eurofins Ntd Llc (ga) and OMIM); PubMed 20400443 (cited by Eurofins Ntd Llc (ga)); PubMed 20716751 (cited by Eurofins Ntd Llc (ga)); PubMed 23757202 (cited by Eurofins Ntd Llc (ga)).

NM_024422.6(DSC2):c.2686_2687dup (p.Ala897fs)

Gene: DSC2 (desmocollin 2; minus strand). Cytogenetic location: 18q12.1.
Variant type: Duplication.
Coding change: c.2686_2687dup on transcript NM_024422.6 (MANE Select); coding-DNA positions 2686 to 2687, 2 bases duplicated (GA; older notation c.2686_2687dupGA).
Protein change: p.Ala897fs; shifts the reading frame from alanine 897.
Molecular consequence: frameshift variant. On other transcripts: 3 prime UTR variant (1).
Genome position (GRCh38, 1-based): chr18:31,068,034-31,068,035, TC duplicated on the plus strand (GA on the coding strand, the reverse complement: DSC2 is on the minus strand); duplicating any 2 consecutive bases within chr18:31,068,034-31,068,036 gives the same sequence; the c. name uses the placement nearest the transcript's 3' end. VCF-style (leftmost placement, unchanged base first): chr18-31068033-T-TTC. GRCh37 (hg19) VCF-style: chr18-28647999-T-TTC.
Other names: p.Ala897LysfsX4; p.Ala897Lysfs*4; c.*188_*189dup (NM_004949.5); c.2686_2687dupGA (NM_024422.3, NM_024422.4, NM_024422.6); c.2684_2685insAG (NM_024422.3); short protein forms A897fs.
Identifiers: ClinVar variation 46186 (VCV000046186.77), dbSNP rs200056085, ClinGen allele CA199996.